The following is an entry in ClinVar:

ClinVar aggregate classification (germline): Uncertain significance. Review status: criteria provided, multiple submitters, no conflicts (2 of 4 stars). 2 submissions from 2 submitters: Uncertain significance (2). Last evaluated 2025-10-22.

Conditions:
Inborn genetic diseases. Identifiers: MedGen C0950123, MeSH D030342.

gnomAD v4.1: 17 of 1,613,352 alleles (0.0011%); highest among the groups gnomAD compares: South Asian, 0.015%; no homozygotes.

Submissions (2):

Ambry Genetics
Classification: Uncertain significance for Inborn genetic diseases. Last evaluated: 2025-10-22. Review status: criteria provided, single submitter. Criteria: Ambry Variant Classification Scheme 2023. Collection method: clinical testing. Allele origin: germline.

Labcorp Genetics (formerly Invitae), Labcorp
Classification: Uncertain significance. Last evaluated: 2025-04-07. Review status: criteria provided, single submitter. Criteria: Invitae Variant Classification Sherloc (09022015). Collection method: clinical testing. Allele origin: germline.
Comment: This sequence change replaces threonine, which is neutral and polar, with isoleucine, which is neutral and non-polar, at codon 338 of the MATN3 protein (p.Thr338Ile). This variant is present in population databases (rs775346746, gnomAD 0.007%). This variant has not been reported in the literature in individuals affected with MATN3-related conditions. Invitae Evidence Modeling of protein sequence and biophysical properties (such as structural, functional, and spatial information, amino acid conservation, physicochemical variation, residue mobility, and thermodynamic stability) indicates that this missense variant is not expected to disrupt MATN3 protein function with a negative predictive value of 80%. In summary, the available evidence is currently insufficient to determine the role of this variant in disease. Therefore, it has been classified as a Variant of Uncertain Significance.

NM_002381.5(MATN3):c.1013C>T (p.Thr338Ile)

Genes: MATN3 (matrilin 3; minus strand), WDR35-DT (WDR35 divergent transcript; plus strand). Cytogenetic location: 2p24.1.
Variant type: single nucleotide variant.
Coding change: c.1013C>T on transcript NM_002381.5 (MANE Select); coding-DNA position 1013, C replaced by T.
Protein change: p.Thr338Ile; replaces threonine 338 with isoleucine.
Molecular consequence: missense variant.
Genome position (GRCh38, 1-based): chr2:20,001,984, G>A on the plus strand (C>T on the coding strand, the complement: MATN3 is on the minus strand). VCF-style: chr2-20001984-G-A. GRCh37 (hg19) VCF-style: chr2-20201745-G-A.
Other names: short protein forms T338I.
Identifiers: ClinVar variation 4624366 (VCV004624366.2).